The following is an entry in ClinVar:

ClinVar aggregate classification (germline): Uncertain significance (1 of 4 stars; one submission).

Conditions:
Dyskeratosis congenita. Identifiers: Orphanet 1775, MedGen C0265965, MONDO:0015780.

Submission:

Ambry Genetics
Classification: Uncertain significance for Dyskeratosis congenita. Last evaluated: 2025-11-04. Review status: criteria provided, single submitter. Criteria: Ambry Variant Classification Scheme 2023. Collection method: clinical testing. Allele origin: germline.
Comment: The p.E245V variant (also known as c.734A>T), located in coding exon 2 of the TERT gene, results from an A to T substitution at nucleotide position 734. The glutamic acid at codon 245 is replaced by valine, an amino acid with dissimilar properties. This amino acid position is conserved. In addition, this alteration is predicted to be tolerated by in silico analysis. Based on the available evidence, the clinical significance of this variant remains unclear.

NM_198253.3(TERT):c.734A>T (p.Glu245Val)

Gene: TERT (telomerase reverse transcriptase; minus strand). Cytogenetic location: 5p15.33.
Variant type: single nucleotide variant.
Coding change: c.734A>T on transcript NM_198253.3 (MANE Select); coding-DNA position 734, A replaced by T.
Protein change: p.Glu245Val; replaces glutamic acid 245 with valine.
Molecular consequence: missense variant. On other transcripts: non-coding transcript variant (2).
Genome position (GRCh38, 1-based): chr5:1,294,152, T>A on the plus strand (A>T on the coding strand, the complement: TERT is on the minus strand). VCF-style: chr5-1294152-T-A. GRCh37 (hg19) VCF-style: chr5-1294267-T-A.
Other names: c.734A>T, p.Glu245Val (NM_001193376.3); short protein forms E245V.
Identifiers: ClinVar variation 4561784 (VCV004561784.1).